The following is an entry in ClinVar:

NM_020376.4(PNPLA2):c.826G>A (p.Asp276Asn)

Gene: PNPLA2 (patatin like domain 2, triacylglycerol lipase; plus strand). Cytogenetic location: 11p15.5.
Variant type: single nucleotide variant.
Coding change: c.826G>A on transcript NM_020376.4 (MANE Select); coding-DNA position 826, G replaced by A.
Protein change: p.Asp276Asn; replaces aspartic acid 276 with asparagine.
Molecular consequence: missense variant.
Genome position (GRCh38, 1-based): chr11:823,762, G>A. VCF-style: chr11-823762-G-A. GRCh37 (hg19) VCF-style: chr11-823762-G-A.
Other names: short protein forms D276N.
Identifiers: ClinVar variation 1411981 (VCV001411981.5), dbSNP rs886048709, ClinGen allele CA378981360.

ClinVar aggregate classification (germline): Uncertain significance (1 of 4 stars; one submission).

Conditions:
Neutral lipid storage myopathy (NLSDM). Also called: NEUTRAL LIPID STORAGE DISEASE WITHOUT ICHTHYOSIS. Identifiers: Orphanet 98908, MedGen C1853136, MONDO:0012545, OMIM 610717.

Allele frequency attached by ClinVar (database versions not stated): TOPMed 0.00001.

Submission:

Labcorp Genetics (formerly Invitae), Labcorp
Classification: Uncertain significance for Neutral lipid storage myopathy. Last evaluated: 2022-06-20. Review status: criteria provided, single submitter. Criteria: Invitae Variant Classification Sherloc (09022015). Collection method: clinical testing. Allele origin: germline.
Comment: This sequence change replaces aspartic acid, which is acidic and polar, with asparagine, which is neutral and polar, at codon 276 of the PNPLA2 protein (p.Asp276Asn). This variant is not present in population databases (gnomAD no frequency). This variant has not been reported in the literature in individuals affected with PNPLA2-related conditions. Algorithms developed to predict the effect of missense changes on protein structure and function (SIFT, PolyPhen-2, Align-GVGD) all suggest that this variant is likely to be tolerated. In summary, the available evidence is currently insufficient to determine the role of this variant in disease. Therefore, it has been classified as a Variant of Uncertain Significance.